The following is an entry in ClinVar:

NM_080425.4(GNAS):c.925T>C (p.Phe309Leu)

Gene: GNAS (GNAS complex locus; plus strand). Cytogenetic location: 20q13.32.
Variant type: single nucleotide variant.
Coding change: c.925T>C on transcript NM_080425.4 (MANE Plus Clinical); coding-DNA position 925, T replaced by C.
Protein change: p.Phe309Leu; replaces phenylalanine 309 with leucine.
Molecular consequence: missense variant. On other transcripts: synonymous variant (2), intron variant (3).
Genome position (GRCh38, 1-based): chr20:58,854,190, T>C. VCF-style: chr20-58854190-T-C. GRCh37 (hg19) VCF-style: chr20-57429245-T-C.
Other names: c.738T>C, p.Arg246= (NM_001077490.3, NM_001309883.1); c.925T>C, p.Phe309Leu (NM_001410913.1); c.*42+13304T>C (NM_016592.5); c.43+13304T>C (NM_001410912.1); c.-39+12315T>C (NM_001309861.2); short protein forms F309L.
Identifiers: ClinVar variation 2636759 (VCV002636759.1), dbSNP rs756072376, ClinGen allele CA9926580.

ClinVar aggregate classification (germline): Uncertain significance (1 of 4 stars; one submission).

Conditions:
GNAS-related disorder. Identifiers: MedGen CN380105.

Allele frequency attached by ClinVar (database versions not stated): TOPMed 0.00002; ExAC 0.00001; gnomAD 0.00002.
gnomAD v4.1: 27 of 1,612,964 alleles (0.0017%); highest among the groups gnomAD compares: Non-Finnish European, 0.0023%; no homozygotes.

Submission:

PreventionGenetics, part of Exact Sciences
Classification: Uncertain significance for GNAS-related condition. Last evaluated: 2023-01-31. Review status: criteria provided, single submitter. Criteria: ACMG Guidelines, 2015. Collection method: clinical testing. Allele origin: germline.
Comment: The GNAS c.925T>C variant is predicted to result in the amino acid substitution p.Phe309Leu. To our knowledge, this variant has not been reported in the literature. Of note, in the more commonly reported transcript (NM_000516.5) this variant is pre-coding (c.-37537T>C). This variant is reported in 0.0024% of alleles in individuals of European (Non-Finnish) descent in gnomAD. At this time, the clinical significance of this variant is uncertain due to the absence of conclusive functional and genetic evidence.